The following is an entry in ClinVar:

NM_002470.4(MYH3):c.4501C>G (p.Arg1501Gly)

Gene: MYH3 (myosin heavy chain 3; minus strand). Cytogenetic location: 17p13.1.
Variant type: single nucleotide variant.
Coding change: c.4501C>G on transcript NM_002470.4 (MANE Select); coding-DNA position 4501, C replaced by G.
Protein change: p.Arg1501Gly; replaces arginine 1501 with glycine.
Molecular consequence: missense variant.
Genome position (GRCh38, 1-based): chr17:10,634,038, G>C on the plus strand (C>G on the coding strand, the complement: MYH3 is on the minus strand). VCF-style: chr17-10634038-G-C. GRCh37 (hg19) VCF-style: chr17-10537355-G-C.
Other names: short protein forms R1501G.
Identifiers: ClinVar variation 2719130 (VCV002719130.3), dbSNP rs551438676, ClinGen allele CA8392215.
Genomic context (GRCh38, chr17:10,634,038, plus strand): 5'-ATGAAAGGAGGAGGTTTCAGAGGGTTTCGAATAGCTTACGCTCTAAGTTCTTATTTTCCC[G>C]TTTCACAGTTTCAAGTTGATCTAAGGCTTCCTCGTAGGCATTTTTCAGTTTGAAGAGCTC-3'
Protein context (NP_002461.2, residues 1491-1511): EALDQLETVK[Arg1501Gly]ENKNLEQEIA

ClinVar aggregate classification (germline): Uncertain significance (1 of 4 stars; one submission).

gnomAD v4.1: 14 of 1,614,006 alleles (0.00087%); highest among the groups gnomAD compares: Non-Finnish European, 0.0011%; no homozygotes.

Submission:

Labcorp Genetics (formerly Invitae), Labcorp
Classification: Uncertain significance. Last evaluated: 2025-01-08. Review status: criteria provided, single submitter. Criteria: Invitae Variant Classification Sherloc (09022015). Collection method: clinical testing. Allele origin: germline.
Comment: This sequence change replaces arginine, which is basic and polar, with glycine, which is neutral and non-polar, at codon 1501 of the MYH3 protein (p.Arg1501Gly). This variant is present in population databases (rs551438676, gnomAD 0.002%). This variant has not been reported in the literature in individuals affected with MYH3-related conditions. ClinVar contains an entry for this variant (Variation ID: 2719130). Invitae Evidence Modeling of protein sequence and biophysical properties (such as structural, functional, and spatial information, amino acid conservation, physicochemical variation, residue mobility, and thermodynamic stability) has been performed for this missense variant. However, the output from this modeling did not meet the statistical confidence thresholds required to predict the impact of this variant on MYH3 protein function. In summary, the available evidence is currently insufficient to determine the role of this variant in disease. Therefore, it has been classified as a Variant of Uncertain Significance.